The following is an entry in ClinVar:

ClinVar aggregate classification (germline): Uncertain significance (1 of 4 stars; one submission).

Conditions:
Multiple endocrine neoplasia, type 2 (MEN2). Identifiers: Orphanet 653, MedGen C4048306, MONDO:0019003. Disease mechanism: gain of function.

Submission:

Labcorp Genetics (formerly Invitae), Labcorp
Classification: Uncertain significance for Multiple endocrine neoplasia, type 2. Last evaluated: 2024-12-17. Review status: criteria provided, single submitter. Criteria: Invitae Variant Classification Sherloc (09022015). Collection method: clinical testing. Allele origin: germline.
Comment: This sequence change replaces proline, which is neutral and non-polar, with alanine, which is neutral and non-polar, at codon 516 of the RET protein (p.Pro516Ala). This variant is not present in population databases (gnomAD no frequency). This variant has not been reported in the literature in individuals affected with RET-related conditions. An algorithm developed to predict the effect of missense changes on protein structure and function (PolyPhen-2) suggests that this variant is likely to be disruptive. In summary, the available evidence is currently insufficient to determine the role of this variant in disease. Therefore, it has been classified as a Variant of Uncertain Significance.

NM_020975.6(RET):c.1546C>G (p.Pro516Ala)

Gene: RET (ret proto-oncogene; plus strand). Cytogenetic location: 10q11.21.
Variant type: single nucleotide variant.
Coding change: c.1546C>G on transcript NM_020975.6 (MANE Select); coding-DNA position 1546, C replaced by G.
Protein change: p.Pro516Ala; replaces proline 516 with alanine.
Molecular consequence: missense variant.
Genome position (GRCh38, 1-based): chr10:43,112,122, C>G. VCF-style: chr10-43112122-C-G. GRCh37 (hg19) VCF-style: chr10-43607570-C-G.
Other names: c.1417C>G, p.Pro473Ala (NM_001406768.1, NM_001406761.1, NM_001406762.1 and 1 more transcripts); c.1150C>G, p.Pro384Ala (NM_001406769.1, NM_001406772.1); c.1258C>G, p.Pro420Ala (NM_001406770.1, NM_001406766.1, NM_001406767.1); c.1108C>G, p.Pro370Ala (NM_001406771.1, NM_001406773.1); c.1021C>G, p.Pro341Ala (NM_001406774.1); c.820C>G, p.Pro274Ala (NM_001406775.1, NM_001406776.1, NM_001406777.1 and 1 more transcripts); c.784C>G, p.Pro262Ala (NM_001355216.2); c.1546C>G, p.Pro516Ala (NM_001406743.1, NM_020630.7, NM_001406744.1 and 4 more transcripts); and 5 more; short protein forms P121A, P217A, P370A, P384A, P186A, P262A, P473A, P516A.
Identifiers: ClinVar variation 3727452 (VCV003727452.2).